The following is an entry in ClinVar:

ClinVar aggregate classification (germline): Uncertain significance. Review status: criteria provided, multiple submitters, no conflicts (2 of 4 stars). 2 submissions from 2 submitters: Uncertain significance (2). Last evaluated 2026-05-21.

Submissions (2):

GeneDx
Classification: Uncertain significance. Last evaluated: 2026-05-21. Review status: criteria provided, single submitter. Criteria: GeneDx Variant Classification Process June 2021. Collection method: clinical testing. Allele origin: germline.
Comment: In silico analysis supports that this missense variant has a deleterious effect on protein structure/function; Has not been previously published as pathogenic or benign to our knowledge

Blueprint Genetics
Classification: Uncertain significance. Last evaluated: 2024-03-13. Review status: criteria provided, single submitter. Criteria: ACMG Guidelines, 2015. Collection method: clinical testing. Allele origin: germline.

NM_001372.4(DNAH9):c.12640G>C (p.Gly4214Arg)

Gene: DNAH9 (dynein axonemal heavy chain 9; plus strand). Cytogenetic location: 17p12.
Variant type: single nucleotide variant.
Coding change: c.12640G>C on transcript NM_001372.4 (MANE Select); coding-DNA position 12640, G replaced by C.
Protein change: p.Gly4214Arg; replaces glycine 4214 with arginine.
Molecular consequence: missense variant.
Genome position (GRCh38, 1-based): chr17:11,937,502, G>C. VCF-style: chr17-11937502-G-C. GRCh37 (hg19) VCF-style: chr17-11840819-G-C.
Other names: c.1576G>C, p.Gly526Arg (NM_004662.2); short protein forms G4214R, G526R.
Identifiers: ClinVar variation 3893510 (VCV003893510.3).